The following is an entry in ClinVar:

ClinVar aggregate classification (germline): Likely pathogenic (1 of 4 stars; one submission).

Conditions:
Neuronal ceroid lipofuscinosis. Also called: Neuronal Ceroid Lipofuscinoses. Identifiers: Orphanet 216, Orphanet 79263, MedGen C0027877, MONDO:0016295. Disease mechanism: loss of function.

gnomAD v4.1: 2 of 1,614,002 alleles (0.00012%); highest among the groups gnomAD compares: Non-Finnish European, 0.00017%; no homozygotes.

Submission:

Labcorp Genetics (formerly Invitae), Labcorp
Classification: Likely pathogenic for Neuronal ceroid lipofuscinosis. Last evaluated: 2022-02-22. Review status: criteria provided, single submitter. Criteria: Invitae Variant Classification Sherloc (09022015). Collection method: clinical testing. Allele origin: germline.
Comment: Advanced modeling of protein sequence and biophysical properties (such as structural, functional, and spatial information, amino acid conservation, physicochemical variation, residue mobility, and thermodynamic stability) performed at Invitae indicates that this missense variant is expected to disrupt CLN8 protein function. In summary, the currently available evidence indicates that the variant is pathogenic, but additional data are needed to prove that conclusively. Therefore, this variant has been classified as Likely Pathogenic. This variant disrupts the p.Arg24 amino acid residue in CLN8. Other variant(s) that disrupt this residue have been determined to be pathogenic (PMID: 10508524, 16828266). This suggests that this residue is clinically significant, and that variants that disrupt this residue are likely to be disease-causing. This variant has not been reported in the literature in individuals affected with CLN8-related conditions. This variant is not present in population databases (gnomAD no frequency). This sequence change replaces arginine, which is basic and polar, with leucine, which is neutral and non-polar, at codon 24 of the CLN8 protein (p.Arg24Leu).

Literature cited by the submitters: PubMed 10508524; PubMed 16828266.

NM_018941.4(CLN8):c.71G>T (p.Arg24Leu)

Gene: CLN8 (CLN8 transmembrane ER and ERGIC protein; plus strand). Cytogenetic location: 8p23.3.
Variant type: single nucleotide variant.
Coding change: c.71G>T on transcript NM_018941.4 (MANE Select); coding-DNA position 71, G replaced by T.
Protein change: p.Arg24Leu; replaces arginine 24 with leucine.
Molecular consequence: missense variant.
Genome position (GRCh38, 1-based): chr8:1,771,125, G>T. VCF-style: chr8-1771125-G-T. GRCh37 (hg19) VCF-style: chr8-1719291-G-T.
Other names: short protein forms R24L.
Identifiers: ClinVar variation 2157339 (VCV002157339.4), dbSNP rs762079123, ClinGen allele CA369952817.
Genomic context (GRCh38, chr8:1,771,125, plus strand): 5'-CGAGCGATGGGGGCACATCAGAGAGCATTTTTGACCTGGACTATGCATCCTGGGGGATCC[G>T]CTCCACGCTGATGGTCGCTGGCTTTGTCTTCTACTTGGGCGTCTTTGTGGTCTGCCACCA-3'
Protein context (NP_061764.2, residues 14-34): FDLDYASWGI[Arg24Leu]STLMVAGFVF